The following is an entry in ClinVar:

NM_022124.6(CDH23):c.5980A>T (p.Ile1994Phe)

Gene: CDH23 (cadherin related 23; plus strand). Cytogenetic location: 10q22.1.
Variant type: single nucleotide variant.
Coding change: c.5980A>T on transcript NM_022124.6 (MANE Select); coding-DNA position 5980, A replaced by T.
Protein change: p.Ile1994Phe; replaces isoleucine 1994 with phenylalanine.
Molecular consequence: missense variant.
Genome position (GRCh38, 1-based): chr10:71,790,344, A>T. VCF-style: chr10-71790344-A-T. GRCh37 (hg19) VCF-style: chr10-73550101-A-T.
Other names: short protein forms I1994F.
Identifiers: ClinVar variation 1349941 (VCV001349941.6), dbSNP rs1841213855, ClinGen allele CA377150706.
Genomic context (GRCh38, chr10:71,790,344, plus strand): 5'-CCAGGCACCCCTCTCACGGTGCTCAATGGGCCCATCCTGGCCCTGGATGCAGACCAAGAC[A>T]TCTACGCCGTGGTGACCTACCAGCTGCTGGGTGCCCAGAGTGGCCTCTTTGACATCAACA-3'
Protein context (NP_071407.4, residues 1984-2004): PILALDADQD[Ile1994Phe]YAVVTYQLLG

ClinVar aggregate classification (germline): Uncertain significance (1 of 4 stars; one submission).

Allele frequency attached by ClinVar (database versions not stated): gnomAD exomes below 0.00001.
gnomAD v4.1: 2 of 1,613,878 alleles (0.00012%); highest among the groups gnomAD compares: Non-Finnish European, 0.00017%; no homozygotes.

Submission:

Labcorp Genetics (formerly Invitae), Labcorp
Classification: Uncertain significance. Last evaluated: 2021-11-06. Review status: criteria provided, single submitter. Criteria: Invitae Variant Classification Sherloc (09022015). Collection method: clinical testing. Allele origin: germline.
Comment: Algorithms developed to predict the effect of missense changes on protein structure and function are either unavailable or do not agree on the potential impact of this missense change (SIFT: "Deleterious"; PolyPhen-2: "Not Available"; Align-GVGD: "Class C0"). This sequence change replaces isoleucine, which is neutral and non-polar, with phenylalanine, which is neutral and non-polar, at codon 1994 of the CDH23 protein (p.Ile1994Phe). This variant is not present in population databases (gnomAD no frequency). This variant has not been reported in the literature in individuals affected with CDH23-related conditions. In summary, the available evidence is currently insufficient to determine the role of this variant in disease. Therefore, it has been classified as a Variant of Uncertain Significance.